The following is an entry in ClinVar:

ClinVar aggregate classification (germline): Likely pathogenic (1 of 4 stars; one submission).

Conditions:
Breast-ovarian cancer, familial, susceptibility to, 2 (BROVCA2). Also called: BRCA2 Hereditary Breast and Ovarian Cancer. Identifiers: Orphanet 145, MedGen C2675520, MONDO:0012933, OMIM 612555. Disease mechanism: loss of function.

Submission:

Department of Medical Genetics, Oslo University Hospital
Classification: Likely pathogenic for Breast-ovarian cancer, familial, susceptibility to, 2. Last evaluated: 2016-12-01. Review status: criteria provided, single submitter. Criteria: ACMG Guidelines, 2015. Collection method: clinical testing. Allele origin: germline. Affected: yes. Observed: 34 variant alleles.
Comment: Heterozygous duplication of exon 20

NC_000013.10:g.(32944695_32945092)_(32945238_32950806)dup

Gene: BRCA2 (BRCA2 DNA repair associated; plus strand). Cytogenetic location: 13q13.1.
Variant type: Duplication.
Identifiers: ClinVar variation 440447 (VCV000440447.2).